The following is an entry in ClinVar:

ClinVar aggregate classification (germline): Uncertain significance (1 of 4 stars; one submission).

Conditions:
Inborn genetic diseases. Identifiers: MedGen C0950123, MeSH D030342.

gnomAD v4.1: 2 of 1,613,938 alleles (0.00012%); highest among the groups gnomAD compares: African/African-American, 0.0027%; no homozygotes.

Submission:

Ambry Genetics
Classification: Uncertain significance for Inborn genetic diseases. Last evaluated: 2025-03-06. Review status: criteria provided, single submitter. Criteria: Ambry Variant Classification Scheme 2023. Collection method: clinical testing. Allele origin: germline.
Comment: The p.V284G variant (also known as c.851T>G), located in coding exon 5 of the ERCC6L2 gene, results from a T to G substitution at nucleotide position 851. The valine at codon 284 is replaced by glycine, an amino acid with dissimilar properties. This amino acid position is conserved. In addition, this alteration is predicted to be deleterious by in silico analysis. Based on the available evidence, the clinical significance of this variant remains unclear.

NM_020207.7(ERCC6L2):c.851T>G (p.Val284Gly)

Gene: ERCC6L2 (ERCC excision repair 6 like 2; plus strand). Cytogenetic location: 9q22.32.
Variant type: single nucleotide variant.
Coding change: c.851T>G on transcript NM_020207.7 (MANE Select); coding-DNA position 851, T replaced by G.
Protein change: p.Val284Gly; replaces valine 284 with glycine.
Molecular consequence: missense variant. On other transcripts: non-coding transcript variant (1).
Genome position (GRCh38, 1-based): chr9:95,915,730, T>G. VCF-style: chr9-95915730-T-G. GRCh37 (hg19) VCF-style: chr9-98678012-T-G.
Other names: c.851T>G, p.Val284Gly (NM_001010895.4, NM_001375291.1, NM_001375292.1 and 2 more transcripts); short protein forms V284G.
Identifiers: ClinVar variation 3845981 (VCV003845981.1).